The following is an entry in ClinVar:

ClinVar aggregate classification (germline): Likely benign. Review status: criteria provided, multiple submitters, no conflicts (2 of 4 stars). 2 submissions from 2 submitters: Likely benign (2). Last evaluated 2018-06-14.

Allele frequency attached by ClinVar (database versions not stated): 1000 Genomes Project 0.00379; 1000 Genomes Project 30x 0.00406; gnomAD 0.00733 and 0.00745; TOPMed 0.00737; gnomAD exomes 0.00885.
gnomAD v4.1: 6,158 of 719,922 alleles (0.86%); highest among the groups gnomAD compares: Non-Finnish European, 1.2%; 40 homozygotes.

Submissions (2):

GeneDx
Classification: Likely benign. Last evaluated: 2018-06-14. Review status: criteria provided, single submitter. Criteria: GeneDx Variant Classification (06012015). Collection method: clinical testing. Allele origin: germline. Affected: yes.
Comment: This variant is considered likely benign or benign based on one or more of the following criteria: it is a conservative change, it occurs at a poorly conserved position in the protein, it is predicted to be benign by multiple in silico algorithms, and/or has population frequency not consistent with disease.

Breakthrough Genomics
Classification: Likely benign. Review status: criteria provided, single submitter. Criteria: ACMG Guidelines, 2015. Collection method: not provided. Allele origin: germline. Inheritance: Autosomal recessive inheritance. Affected: yes.

NM_001244008.2(KIF1A):c.4666-127G>T

Gene: KIF1A (kinesin family member 1A; minus strand). Cytogenetic location: 2q37.3.
Variant type: single nucleotide variant.
Coding change: c.4666-127G>T on transcript NM_001244008.2 (MANE Select); 127 bases into the intron before coding-DNA position 4666, G replaced by T.
Molecular consequence: intron variant.
Genome position (GRCh38, 1-based): chr2:240,722,011, C>A on the plus strand (G>T on the coding strand, the complement: KIF1A is on the minus strand). VCF-style: chr2-240722011-C-A. GRCh37 (hg19) VCF-style: chr2-241661428-C-A.
Other names: c.4363-127G>T (NM_001379653.1, NM_001379650.1, NM_001379641.1 and 2 more transcripts); c.4639-127G>T (NM_001379645.1, NM_001379633.1); c.4489-127G>T (NM_001379635.1, NM_001379646.1); c.4360-127G>T (NM_001379640.1); c.4387-127G>T (NM_001379639.1); c.4390-127G>T (NM_001379649.1, NM_001320705.2); c.4477-127G>T (NM_001379636.1); c.4642-127G>T (NM_001379632.1); and 7 more.
Identifiers: ClinVar variation 677258 (VCV000677258.2), dbSNP rs73011011, ClinGen allele CA68136866.